The following is an entry in ClinVar:

NM_000088.4(COL1A1):c.3034T>A (p.Ser1012Thr)

Gene: COL1A1 (collagen type I alpha 1 chain; minus strand). Cytogenetic location: 17q21.33.
Variant type: single nucleotide variant.
Coding change: c.3034T>A on transcript NM_000088.4 (MANE Select); coding-DNA position 3034, T replaced by A.
Protein change: p.Ser1012Thr; replaces serine 1012 with threonine.
Molecular consequence: missense variant.
Genome position (GRCh38, 1-based): chr17:50,188,914, A>T on the plus strand (T>A on the coding strand, the complement: COL1A1 is on the minus strand). VCF-style: chr17-50188914-A-T. GRCh37 (hg19) VCF-style: chr17-48266275-A-T.
Other names: short protein forms S1012T.
Identifiers: ClinVar variation 4820497 (VCV004820497.1).

ClinVar aggregate classification (germline): Uncertain significance (1 of 4 stars; one submission).

Conditions:
Cardiovascular phenotype. Identifiers: MedGen CN230736.

Submission:

Molecular Diagnostic Laboratory for Inherited Cardiovascular Disease, Montreal Heart Institute
Classification: Uncertain significance for Cardiovascular phenotype. Last evaluated: 2026-03-27. Review status: criteria provided, single submitter. Criteria: ACMG Guidelines, 2015. Collection method: clinical testing. Allele origin: germline. Affected: yes.
Comment: PM2, PP2, BP4